The following is an entry in ClinVar:

NM_014846.4(WASHC5):c.2654T>C (p.Val885Ala)

Genes: WASHC5 (WASH complex subunit 5; minus strand), WASHC5-AS1 (WASHC5 antisense RNA 1; plus strand). Cytogenetic location: 8q24.13.
Variant type: single nucleotide variant.
Coding change: c.2654T>C on transcript NM_014846.4 (MANE Select); coding-DNA position 2654, T replaced by C.
Protein change: p.Val885Ala; replaces valine 885 with alanine.
Molecular consequence: missense variant. On other transcripts: non-coding transcript variant (1).
Genome position (GRCh38, 1-based): chr8:125,044,549, A>G on the plus strand (T>C on the coding strand, the complement: WASHC5 is on the minus strand). VCF-style: chr8-125044549-A-G. GRCh37 (hg19) VCF-style: chr8-126056791-A-G.
Other names: c.2210T>C, p.Val737Ala (NM_001330609.2); short protein forms V885A, V737A.
Identifiers: ClinVar variation 2931637 (VCV002931637.3), dbSNP rs148631103, ClinGen allele CA4873479.

ClinVar aggregate classification (germline): Uncertain significance (1 of 4 stars; one submission).

Conditions:
Hereditary spastic paraplegia 8 (SPG8). Also called: SPASTIC PARAPLEGIA 8, AUTOSOMAL DOMINANT. Identifiers: Orphanet 100989, MedGen C1863704, MONDO:0011339, OMIM 603563.
Ritscher-Schinzel syndrome. Also called: CRANIOCEREBELLOCARDIAC DYSPLASIA. Identifiers: Orphanet 7, MedGen C0796137, MONDO:0019078.

Allele frequency attached by ClinVar (database versions not stated): gnomAD exomes 0.00001; TOPMed 0.00002; gnomAD 0.00001; ExAC 0.00002; ESP Exome Variant Server 0.00015.
gnomAD v4.1: 7 of 1,613,908 alleles (0.00043%); highest among the groups gnomAD compares: African/African-American, 0.0093%; no homozygotes.

Submission:

Labcorp Genetics (formerly Invitae), Labcorp
Classification: Uncertain significance for Ritscher-Schinzel syndrome; Hereditary spastic paraplegia 8. Last evaluated: 2023-07-07. Review status: criteria provided, single submitter. Criteria: Invitae Variant Classification Sherloc (09022015). Collection method: clinical testing. Allele origin: germline.
Comment: In summary, the available evidence is currently insufficient to determine the role of this variant in disease. Therefore, it has been classified as a Variant of Uncertain Significance. Advanced modeling of protein sequence and biophysical properties (such as structural, functional, and spatial information, amino acid conservation, physicochemical variation, residue mobility, and thermodynamic stability) performed at Invitae indicates that this missense variant is not expected to disrupt WASHC5 protein function. This variant has not been reported in the literature in individuals affected with WASHC5-related conditions. This variant is present in population databases (rs148631103, gnomAD 0.03%). This sequence change replaces valine, which is neutral and non-polar, with alanine, which is neutral and non-polar, at codon 885 of the WASHC5 protein (p.Val885Ala).